The following is an entry in ClinVar:

NM_138694.4(PKHD1):c.8743G>T (p.Glu2915Ter)

Gene: PKHD1 (PKHD1 ciliary IPT domain containing fibrocystin/polyductin; minus strand). Cytogenetic location: 6p12.3.
Variant type: single nucleotide variant.
Coding change: c.8743G>T on transcript NM_138694.4 (MANE Select); coding-DNA position 8743, G replaced by T.
Protein change: p.Glu2915Ter; replaces glutamic acid 2915 with a stop codon.
Molecular consequence: nonsense.
Genome position (GRCh38, 1-based): chr6:51,754,838, C>A on the plus strand (G>T on the coding strand, the complement: PKHD1 is on the minus strand). VCF-style: chr6-51754838-C-A. GRCh37 (hg19) VCF-style: chr6-51619636-C-A.
Other names: c.8743G>T, p.Glu2915Ter (NM_170724.3); short protein forms E2915X.
Identifiers: ClinVar variation 1184734 (VCV001184734.3), dbSNP rs2151020668, ClinGen allele CA364428053.

ClinVar aggregate classification (germline): Pathogenic. Review status: criteria provided, single submitter (1 of 4 stars). 2 submissions from 2 submitters: Pathogenic (1). 1 of the submissions does not count toward it. Last evaluated 2024-05-08.

Conditions:
Polycystic kidney disease 4 (PKD4). Also called: POLYCYSTIC KIDNEY AND HEPATIC DISEASE 1; POLYCYSTIC KIDNEY DISEASE, INFANTILE, TYPE I; POLYCYSTIC KIDNEY DISEASE 4 WITH OR WITHOUT POLYCYSTIC LIVER DISEASE; PKD3; Autosomal Recessive Polycystic Kidney Disease – PKHD1. Identifiers: MedGen C4540575, MONDO:0033004, OMIM 263200.
Pregnancy loss, recurrent, susceptibility to, 3 (RPRGL3). Identifiers: MedGen C3280674, MONDO:0013729, OMIM 614391.

Submissions (2):

Myriad Genetics, Inc.
Classification: Pathogenic for Polycystic kidney disease 4. Last evaluated: 2024-05-08. Review status: criteria provided, single submitter. Criteria: Myriad Autosomal Dominant, Autosomal Recessive and X-Linked Classification Criteria (2023). Collection method: clinical testing. Allele origin: unknown.
Comment: NM_138694.3(PKHD1):c.8743G>T(E2915*) is expected to be pathogenic in the context of autosomal recessive polycystic kidney disease, PKHD1-related. This variant is predicted to lead to an abnormal or absent protein product due to the creation of a premature termination codon in PKHD1, a gene where loss-of-function variants are known to be pathogenic. Please note: this variant was assessed in the context of healthy population screening.

Department of Genetic Research, Imam Abdulrahman Bin Faisal University
Classification: Pathogenic for Pregnancy loss, recurrent, susceptibility to, 3. Last evaluated: 2020-12-07. Review status: no assertion criteria provided. Collection method: research. Allele origin: inherited. Inheritance: Autosomal recessive inheritance. Affected: no and yes. Observed: 3 variant alleles, 2 heterozygotes, 1 homozygote. Not counted in ClinVar's aggregate classification.
Comment: The NM_170724:exon56:c.8743G>T:p.E2915X variant in PKHD1 (Ciliary IPT Domain Containing Fibrocystin/Polyductin) gene has been observed in a Consanguineous Saudi Arabian Family with autosomal recessive recurrent pregnancy loss or recurrent miscarriage or unexplained recurrent pregnancy loss or idiopathic recurrent pregnancy loss. The family, from Saudi Arabia, has earlier history of four unexplained recurrent pregnancy losses at the 7th week of gestation.